The following is an entry in ClinVar:

ClinVar aggregate classification (germline): Pathogenic. Review status: criteria provided, multiple submitters, no conflicts (2 of 4 stars). 2 submissions from 2 submitters: Pathogenic (2). Last evaluated 2023-05-02.

Conditions:
Coffin-Siris syndrome 1 (CSS1). Also called: Mental retardation, autosomal dominant 12; ARID1B-Related Coffin-Siris Syndrome. Identifiers: Orphanet 1465, MedGen C3281201, MONDO:0007617, OMIM 135900. Disease mechanism: gain of function.

Submissions (2):

Broad Center for Mendelian Genomics, Broad Institute of MIT and Harvard
Classification: Pathogenic for Coffin-Siris syndrome 1. Last evaluated: 2023-05-02. Review status: criteria provided, single submitter. Criteria: ACMG Guidelines, 2015. Collection method: curation. Allele origin: germline. Inheritance: Autosomal dominant inheritance.
Comment: Trio exome analysis showed this variant to be de novo. The p.Tyr1310Ter variant in ARID1B has not been previously reported in individuals with Coffin-Siris syndrome 1. This variant has also been reported in ClinVar (Variation ID: 802286) and has been interpreted as pathogenic by Mendelics. This variant was absent from large population studies. This nonsense variant leads to a premature termination codon at position 1310, which is predicted to lead to a truncated or absent protein. Heterozygous loss of function of the ARID1B gene is an established disease mechanism in autosomal dominant Coffin-Siris syndrome 1. In summary, this variant meets criteria to be classified as pathogenic for autosomal dominant Coffin-Siris syndrome 1. ACMG/AMP Criteria applied: PVS1, PS2_Supporting, PM2_Supporting (Richards 2015).

Mendelics
Classification: Pathogenic for Coffin-Siris syndrome 1. Last evaluated: 2019-05-28. Review status: criteria provided, single submitter. Criteria: Mendelics Assertion Criteria 2017. Collection method: clinical testing. Allele origin: unknown.

NM_001374828.1(ARID1B):c.4299C>A (p.Tyr1433Ter)

Gene: ARID1B (AT-rich interaction domain 1B; plus strand). Cytogenetic location: 6q25.3.
Variant type: single nucleotide variant.
Coding change: c.4299C>A on transcript NM_001374828.1 (MANE Select); coding-DNA position 4299, C replaced by A.
Protein change: p.Tyr1433Ter; replaces tyrosine 1433 with a stop codon.
Molecular consequence: nonsense.
Genome position (GRCh38, 1-based): chr6:157,196,232, C>A. VCF-style: chr6-157196232-C-A. GRCh37 (hg19) VCF-style: chr6-157517366-C-A.
Other names: NM_001374828.1(ARID1B):c.4299C>A; p.Tyr1433Ter; c.1800C>A, p.Tyr600Ter (NM_001363725.2); c.4179C>A, p.Tyr1393Ter (NM_001371656.1, NM_001374820.1); c.4140C>A, p.Tyr1380Ter (NM_017519.3); short protein forms Y1433*, Y1380*, Y1393*, Y600*.
Identifiers: ClinVar variation 802286 (VCV000802286.2), dbSNP rs1583491515, ClinGen allele CA366238339.